The following is an entry in ClinVar:

ClinVar aggregate classification (germline): Likely benign (1 of 4 stars; one submission).

Allele frequency attached by ClinVar (database versions not stated): gnomAD exomes 0.00011; ExAC 0.00024; gnomAD 0.00088; TOPMed 0.00088; ESP Exome Variant Server 0.00096; 1000 Genomes Project 30x 0.00109; 1000 Genomes Project 0.00140.

Submission:

CeGaT Center for Human Genetics Tuebingen
Classification: Likely benign. Last evaluated: 2022-09-01. Review status: criteria provided, single submitter. Criteria: CeGaT Center For Human Genetics Tuebingen Variant Classification Criteria Version 2. Collection method: clinical testing. Allele origin: germline. Affected: yes. Observed: 1 variant allele.
Comment: DMBT1: BP4, BP7

NM_001377530.1(DMBT1):c.1572C>T (p.Asp524=)

Gene: DMBT1 (deleted in malignant brain tumors 1; plus strand). Cytogenetic location: 10q26.13.
Variant type: single nucleotide variant.
Coding change: c.1572C>T on transcript NM_001377530.1 (MANE Select); coding-DNA position 1572, C replaced by T.
Protein change: p.Asp524=; no amino-acid change (aspartic acid 524 retained).
Molecular consequence: synonymous variant. On other transcripts: intron variant (1).
Genome position (GRCh38, 1-based): chr10:122,586,172, C>T. VCF-style: chr10-122586172-C-T. GRCh37 (hg19) VCF-style: chr10-124345688-C-T.
Other names: c.1572C>T, p.Asp524= (NM_001320644.2, NM_007329.3); c.1542C>T, p.Asp514= (NM_017579.3); c.1420+1821C>T (NM_004406.3).
Identifiers: ClinVar variation 2640914 (VCV002640914.24), dbSNP rs3013216, ClinGen allele CA5726852.